The following is an entry in ClinVar:

ClinVar aggregate classification (germline): Uncertain significance (1 of 4 stars; one submission).

Conditions:
Cardiovascular phenotype. Identifiers: MedGen CN230736.

Submission:

Ambry Genetics
Classification: Uncertain significance for Cardiovascular phenotype. Last evaluated: 2026-09-03. Review status: criteria provided, single submitter. Criteria: Ambry Variant Classification Scheme 2023. Collection method: clinical testing. Allele origin: germline.
Comment: The p.P594R variant (also known as c.1781C>G), located in coding exon 11 of the CBL gene, results from a C to G substitution at nucleotide position 1781. The proline at codon 594 is replaced by arginine, an amino acid with dissimilar properties. This amino acid position is conserved. In addition, the in silico prediction for this alteration is inconclusive. Based on the available evidence, the clinical significance of this variant remains unclear.

NM_005188.4(CBL):c.1781C>G (p.Pro594Arg)

Gene: CBL (Cbl proto-oncogene; plus strand). Cytogenetic location: 11q23.3.
Variant type: single nucleotide variant.
Coding change: c.1781C>G on transcript NM_005188.4 (MANE Select); coding-DNA position 1781, C replaced by G.
Protein change: p.Pro594Arg; replaces proline 594 with arginine.
Molecular consequence: missense variant.
Genome position (GRCh38, 1-based): chr11:119,285,406, C>G. VCF-style: chr11-119285406-C-G. GRCh37 (hg19) VCF-style: chr11-119156116-C-G.
Other names: short protein forms P594R.
Identifiers: ClinVar variation 5033777 (VCV005033777.1).